The following is an entry in ClinVar:

ClinVar aggregate classification (germline): Likely benign (1 of 4 stars; one submission).

Allele frequency attached by ClinVar (database versions not stated): gnomAD exomes 0.00037; gnomAD 0.00391 and 0.00414; TOPMed 0.00450; 1000 Genomes Project 0.00499; 1000 Genomes Project 30x 0.00578.
gnomAD v4.1: 1,119 of 1,503,370 alleles (0.074%); highest among the groups gnomAD compares: African/African-American, 1.4%; 8 homozygotes.

Submission:

GeneDx
Classification: Likely benign. Last evaluated: 2018-06-15. Review status: criteria provided, single submitter. Criteria: GeneDx Variant Classification (06012015). Collection method: clinical testing. Allele origin: germline. Affected: yes.
Comment: This variant is considered likely benign or benign based on one or more of the following criteria: it is a conservative change, it occurs at a poorly conserved position in the protein, it is predicted to be benign by multiple in silico algorithms, and/or has population frequency not consistent with disease.

NM_001005242.3(PKP2):c.2167+67C>T

Gene: PKP2 (plakophilin 2; minus strand). Cytogenetic location: 12p11.21.
Variant type: single nucleotide variant.
Coding change: c.2167+67C>T on transcript NM_001005242.3 (MANE Select); 67 bases into the intron after coding-DNA position 2167, C replaced by T.
Molecular consequence: intron variant.
Genome position (GRCh38, 1-based): chr12:32,802,336, G>A on the plus strand (C>T on the coding strand, the complement: PKP2 is on the minus strand). VCF-style: chr12-32802336-G-A. GRCh37 (hg19) VCF-style: chr12-32955270-G-A.
Other names: c.2299+67C>T (NM_004572.4).
Identifiers: ClinVar variation 675867 (VCV000675867.1), dbSNP rs114561683, ClinGen allele CA235222584.